The following is an entry in ClinVar:

NR_003051.3(RMRP):n.-12_-4dupAGCTGAGGA

Gene: RMRP (RNA component of mitochondrial RNA processing endoribonuclease; minus strand). Cytogenetic location: 9p13.3.
Variant type: Duplication.
Genome position: GRCh38 VCF-style: chr9-35658021-G-GTCCTCAGCT. GRCh37 (hg19) VCF-style: chr9-35658018-G-GTCCTCAGCT.
Identifiers: ClinVar variation 556583 (VCV000556583.13), dbSNP rs1554651425, ClinGen allele CA587570200.

ClinVar aggregate classification (germline): Pathogenic/Likely pathogenic. Review status: criteria provided, multiple submitters, no conflicts (2 of 4 stars). 4 submissions from 4 submitters: Pathogenic (1); Likely pathogenic (2). 1 of the submissions does not count toward it. Last evaluated 2023-05-11.

Conditions:
Anauxetic dysplasia. Identifiers: Orphanet 93347, MedGen C1846796, MONDO:0011773.
Anauxetic dysplasia 1 (ANXD1). Also called: Anauxetic Dysplasia (AD). Identifiers: Orphanet 93347, MedGen C4551965, MONDO:0054560, OMIM 607095.
Metaphyseal dysplasia without hypotrichosis. Also called: Metaphyseal Dysplasia without Hypotrichosis (MDWH); CARTILAGE-HAIR HYPOPLASIA VARIANT, SKELETAL MANIFESTATIONS ONLY; CARTILAGE-HAIR HYPOPLASIA-LIKE SKELETAL DYSPLASIA WITHOUT HYPOTRICHOSIS OR IMMUNODEFICIENCY. Identifiers: MedGen C1834821, MONDO:0009601, OMIM 250460.
Metaphyseal chondrodysplasia, McKusick type (CHH). Also called: Cartilage-hair hypoplasia; Cartilage-Hair Hypoplasia (CHH). Identifiers: Orphanet 175, MedGen C0220748, MONDO:0009595, OMIM 250250.

Submissions (4):

Labcorp Genetics (formerly Invitae), Labcorp
Classification: Pathogenic for Anauxetic dysplasia. Last evaluated: 2023-05-11. Review status: criteria provided, single submitter. Criteria: Invitae Variant Classification Sherloc (09022015). Collection method: clinical testing. Allele origin: germline.
Comment: For these reasons, this variant has been classified as Pathogenic. While functional studies for this variant have not been reported, experimental analyses using patient derived cells, as well as in vitro transfection studies, have shown that promoter insertions result in silencing of RMRP transcription and reduced expression of the gene product (PMID: 11207361, 16254002). ClinVar contains an entry for this variant (Variation ID: 556583). While this particular variant has not been reported in the literature, it is located in the promoter region between the TATA box and the transcription initiation site, and other insertions and duplications immediately upstream of the coding sequence have been reported in individuals affected with cartilage-hair hypoplasia-anauxetic dysplasia (CHH-AD) spectrum disorders (PMID: 16244706, 11207361, 12107819). This variant is present in population databases (no rsID available, gnomAD 0.002%). This variant occurs in the RMRP gene, which encodes an RNA molecule that does not result in a protein product.

Fulgent Genetics
Classification: Likely pathogenic for Metaphyseal chondrodysplasia, McKusick type; Metaphyseal dysplasia without hypotrichosis; Anauxetic dysplasia 1. Last evaluated: 2022-04-21. Review status: criteria provided, single submitter. Criteria: ACMG Guidelines, 2015. Collection method: clinical testing. Allele origin: unknown.

Women's Health and Genetics/Laboratory Corporation of America, LabCorp
Classification: Likely pathogenic for Metaphyseal chondrodysplasia, McKusick type. Last evaluated: 2020-03-24. Review status: criteria provided, single submitter. Criteria: LabCorp Variant Classification Summary - May 2015. Collection method: clinical testing. Allele origin: germline.
Comment: Variant summary: RMRP n.-12_-4dupAGCTGAGGA is located in the untranslated mRNA region upstream of the initiation codon. This variant involves the duplication of 9 nucleotides in the promoter region of the RMRP gene, which is located between the TATA box (-33 to -25) and the transcription initiation site. Other duplications and insertions in this promoter region have been classified as pathogenic (internally and in ClinVar). The variant was absent in 127922 control chromosomes (gnomAD). These data do not allow any conclusion about variant significance. To our knowledge, no occurrence of n.-12_-4dupAGCTGAGGA in individuals affected with Cartilage-Hair Hypoplasia and no experimental evidence demonstrating its impact on protein function have been reported. One clinical diagnostic laboratory has submitted clinical-significance assessments for this variant to ClinVar after 2014 without evidence for independent evaluation and cited the variant as likely pathogenic. Based on the evidence outlined above, the variant was classified as likely pathogenic.

Counsyl
Classification: Likely pathogenic for Metaphyseal chondrodysplasia, McKusick type. Last evaluated: 2018-02-13. Review status: no assertion criteria provided. Collection method: clinical testing. Allele origin: unknown. Not counted in ClinVar's aggregate classification.

Literature cited by the submitters: PubMed 11207361 (cited by Labcorp Genetics (formerly Invitae), Labcorp); PubMed 16254002 (cited by Labcorp Genetics (formerly Invitae), Labcorp); PubMed 16244706 (cited by Labcorp Genetics (formerly Invitae), Labcorp); PubMed 12107819 (cited by Labcorp Genetics (formerly Invitae), Labcorp).